The following continues an entry in ClinVar:

NM_000091.5(COL4A3):c.3829G>A (p.Gly1277Ser)

ClinVar aggregate classification (germline): Conflicting classifications of pathogenicity. Pathogenic (1); Likely pathogenic (5); Uncertain significance (10); Likely benign (3).

Submissions 17 to 24 of 24:

Molecular Biology Laboratory, Fundació Puigvert
Classification: Uncertain significance for Autosomal dominant Alport syndrome. Last evaluated: 2021-05-31. Review status: criteria provided, single submitter. Criteria: ACMG Guidelines, 2015. Collection method: research. Allele origin: paternal, maternal. Inheritance: Autosomal dominant inheritance. Affected: yes. Observed: 2 variant alleles.

Eurofins Ntd Llc (ga)
Classification: Likely pathogenic. Last evaluated: 2018-04-25. Review status: criteria provided, single submitter. Criteria: EGL ClinVar v180209 classification definitions. Collection method: clinical testing. Allele origin: germline. Observed: 2 variant alleles, 2 heterozygotes.

Illumina Laboratory Services, Illumina
Classification: Uncertain significance for Alport syndrome. Last evaluated: 2017-04-28. Review status: criteria provided, single submitter. Criteria: ICSL Variant Classification Criteria 13 December 2019. Collection method: clinical testing. Allele origin: germline.
Comment: This variant was observed as part of a predisposition screen in an ostensibly healthy population. A literature search was performed for the gene, cDNA change, and amino acid change (where applicable). Publications were found based on this search. However, the evidence from the literature, in combination with allele frequency data from public databases where available, was not sufficient to rule this variant in or out of causing disease. Therefore, this variant is classified as a variant of unknown significance.

Natera, Inc.
Classification: Uncertain significance for Alport syndrome. Last evaluated: 2020-04-03. Review status: no assertion criteria provided. Collection method: clinical testing. Allele origin: germline. Not counted in ClinVar's aggregate classification.

Counsyl
Classification: Uncertain significance for Autosomal recessive Alport syndrome. Last evaluated: 2018-01-03. Review status: no assertion criteria provided. Collection method: clinical testing. Allele origin: unknown. Not counted in ClinVar's aggregate classification.

Clinical Genetics DNA and cytogenetics Diagnostics Lab, Erasmus MC, Erasmus Medical Center
Classification: Uncertain significance. Review status: no assertion criteria provided. Collection method: clinical testing. Allele origin: germline. Affected: yes. Study: VKGL Data-share Consensus. Not counted in ClinVar's aggregate classification.

Department of Pathology and Laboratory Medicine, Sinai Health System
Classification: Uncertain significance. Review status: no assertion criteria provided. Collection method: clinical testing. Allele origin: unknown. Affected: yes. Study: The Canadian Open Genetics Repository (COGR). Not counted in ClinVar's aggregate classification.
Comment: The COL4A3 p.Gly1277Ser variant was identified in 6 of 388 proband chromosomes (frequency: 0.0155) from individuals or families with Alport syndrome and steroid-resistant nephrotic syndrome/focal segmental glomerulosclerosis (Fallerini_2017_PMID:27859054, Bullich_2015_PMID:25407002, Gillion_2018_PMID:29854973, Heidet_2001_PMID:11134255). The variant was also identified in dbSNP (ID: rs190598500), ClinVar (classified as conflicting interpretations of pathogenicity with uncertain significance reported by Counsyl and likely pathogenic reported by EGL Genetic Diagnostics; associated condition is Alport syndrome), and LOVD 3.0; it was not identified in the Cosmic database. The variant was identified in control databases in 102 of 280750 chromosomes at a frequency of 0.000363 increasing the likelihood this could be a low frequency benign variant (Genome Aggregation Database Feb 27, 2017). The variant was observed in the following populations: Latino in 32 of 35360 chromosomes (freq: 0.000905), Other in 6 of 7144 chromosomes (freq: 0.00084), European (non-Finnish) in 63 of 128552 chromosomes (freq: 0.00049) and African in 1 of 24178 chromosomes (freq: 0.000041), while the variant was not observed in the Ashkenazi Jewish, East Asian, European (Finnish) or South Asian populations. The variant occurs outside of the splicing consensus sequence and three of four in silico or computational prediction software programs (SpliceSiteFinder, NNSPLICE, GeneSplicer) do not predict a difference in splicing. The p.Gly1277 residue is conserved across mammals and other organisms, and four out of five computational analyses (PolyPhen-2, SIFT, AlignGVGD, MutationTaster) suggest that the variant may impact the protein; however, this information is not predictive enough to assume pathogenicity. In summary, based on the above information the clinical significance of this variant cannot be determined with certainty at this time. This variant is classified as a variant of uncertain significance.

Joint Genome Diagnostic Labs from Nijmegen and Maastricht, Radboudumc and MUMC+
Classification: Uncertain significance. Review status: no assertion criteria provided. Collection method: clinical testing. Allele origin: germline. Affected: yes. Study: VKGL Data-share Consensus. Not counted in ClinVar's aggregate classification.

Literature cited by the submitters: PubMed 27859054 (cited by 3 submitters); PubMed 33532864 (cited by 3 submitters); PubMed 35301649 (cited by Victorian Clinical Genetics Services, Murdoch Childrens Research Institute and Women's Health and Genetics/Laboratory Corporation of America, LabCorp); PubMed 36938085 (cited by Victorian Clinical Genetics Services, Murdoch Childrens Research Institute and Women's Health and Genetics/Laboratory Corporation of America, LabCorp); PubMed 12028435 (cited by Victorian Clinical Genetics Services, Murdoch Childrens Research Institute); PubMed 11134255 (cited by 4 submitters); PubMed 38868576 (cited by Victorian Clinical Genetics Services, Murdoch Childrens Research Institute and Women's Health and Genetics/Laboratory Corporation of America, LabCorp); PubMed 35759000 (cited by Victorian Clinical Genetics Services, Murdoch Childrens Research Institute and Women's Health and Genetics/Laboratory Corporation of America, LabCorp); PubMed 33838161 (cited by Victorian Clinical Genetics Services, Murdoch Childrens Research Institute and Women's Health and Genetics/Laboratory Corporation of America, LabCorp); PubMed 36134775 (cited by Victorian Clinical Genetics Services, Murdoch Childrens Research Institute and Women's Health and Genetics/Laboratory Corporation of America, LabCorp); PubMed 25407002 (cited by 3 submitters); PubMed 29924831 (cited by Women's Health and Genetics/Laboratory Corporation of America, LabCorp); PubMed 34400539 (cited by Women's Health and Genetics/Laboratory Corporation of America, LabCorp); PubMed 34013111 (cited by Women's Health and Genetics/Laboratory Corporation of America, LabCorp); PubMed 32483926 (cited by Women's Health and Genetics/Laboratory Corporation of America, LabCorp); PubMed 30476936 (cited by Women's Health and Genetics/Laboratory Corporation of America, LabCorp); PubMed 26795916 (cited by Women's Health and Genetics/Laboratory Corporation of America, LabCorp and Counsyl); PubMed 35177655 (cited by Women's Health and Genetics/Laboratory Corporation of America, LabCorp); PubMed 35675912 (cited by Women's Health and Genetics/Laboratory Corporation of America, LabCorp); PubMed 38972501 (cited by Women's Health and Genetics/Laboratory Corporation of America, LabCorp); PubMed 39190485 (cited by Women's Health and Genetics/Laboratory Corporation of America, LabCorp); PubMed 26359337 (cited by Women's Health and Genetics/Laboratory Corporation of America, LabCorp); PubMed 39408606 (cited by Women's Health and Genetics/Laboratory Corporation of America, LabCorp); PubMed 36617405 (cited by Women's Health and Genetics/Laboratory Corporation of America, LabCorp); PubMed 28657137 (cited by Women's Health and Genetics/Laboratory Corporation of America, LabCorp); PubMed 38471460 (cited by Women's Health and Genetics/Laboratory Corporation of America, LabCorp); PubMed 38357258 (cited by Women's Health and Genetics/Laboratory Corporation of America, LabCorp).